The following is an entry in ClinVar:

ClinVar aggregate classification (germline): Conflicting classifications of pathogenicity. Review status: criteria provided, conflicting classifications (1 of 4 stars). 4 submissions from 4 submitters: Uncertain significance (3); Likely benign (1). Last evaluated 2025-12-11.

Conditions:
Inborn genetic diseases. Identifiers: MedGen C0950123, MeSH D030342.
COQ2-related disorder. Also called: COQ2-related condition.

Allele frequency attached by ClinVar (database versions not stated): gnomAD exomes 0.00001; gnomAD 0.00005; ExAC 0.00006.
gnomAD v4.1: 15 of 1,586,348 alleles (0.00095%); highest among the groups gnomAD compares: African/African-American, 0.004%; no homozygotes.

Submissions (4):

Women's Health and Genetics/Laboratory Corporation of America, LabCorp
Classification: Uncertain significance. Last evaluated: 2025-12-11. Review status: criteria provided, single submitter. Criteria: LabCorp Variant Classification Summary - May 2015. Collection method: clinical testing. Allele origin: germline.
Comment: Variant summary: COQ2 c.1063G>A (p.Ala355Thr) results in a non-conservative amino acid change in the encoded protein sequence. Algorithms developed to predict the effect of missense changes on protein structure and function are either unavailable or do not agree on the potential impact of this missense change. The variant allele was found at a frequency of 1.4e-05 in 207150 control chromosomes (gnomAD). The available data on variant occurrences in the general population are insufficient to allow any conclusion about variant significance. To our knowledge, no occurrence of c.1063G>A in individuals affected with COQ2-related conditions and no experimental evidence demonstrating its impact on protein function have been reported. However, in several species Thr is found at this position (i.e. codon 355) instead of Ala, suggesting that this substitution likely doesn't affect protein function. ClinVar contains an entry for this variant (Variation ID: 1956441). Based on the evidence outlined above, the variant was classified as uncertain significance.

PreventionGenetics, part of Exact Sciences
Classification: Uncertain significance for COQ2-related condition. Last evaluated: 2025-09-13. Review status: criteria provided, single submitter. Criteria: ACMG Guidelines, 2015. Collection method: clinical testing. Allele origin: germline.
Comment: The COQ2 c.1063G>A variant is predicted to result in the amino acid substitution p.Ala355Thr. To our knowledge, this variant has not been reported in the literature. This variant is reported in 0.0082% of alleles in individuals of African descent in gnomAD. At this time, the clinical significance of this variant is uncertain due to the absence of conclusive functional and genetic evidence.

Ambry Genetics
Classification: Likely benign for Inborn genetic diseases. Last evaluated: 2023-03-01. Review status: criteria provided, single submitter. Criteria: Ambry Variant Classification Scheme 2023. Collection method: clinical testing. Allele origin: germline.

Labcorp Genetics (formerly Invitae), Labcorp
Classification: Uncertain significance. Last evaluated: 2022-02-12. Review status: criteria provided, single submitter. Criteria: Invitae Variant Classification Sherloc (09022015). Collection method: clinical testing. Allele origin: germline.
Comment: In summary, the available evidence is currently insufficient to determine the role of this variant in disease. Therefore, it has been classified as a Variant of Uncertain Significance. Algorithms developed to predict the effect of missense changes on protein structure and function output the following: SIFT: "Tolerated"; PolyPhen-2: "Benign"; Align-GVGD: "Class C0". The threonine amino acid residue is found in multiple mammalian species, which suggests that this missense change does not adversely affect protein function. This variant has not been reported in the literature in individuals affected with COQ2-related conditions. The frequency data for this variant in the population databases is considered unreliable, as metrics indicate poor data quality at this position in the gnomAD database. This sequence change replaces alanine, which is neutral and non-polar, with threonine, which is neutral and polar, at codon 355 of the COQ2 protein (p.Ala355Thr).

NM_001358921.2(COQ2):c.913G>A (p.Ala305Thr)

Gene: COQ2 (coenzyme Q2, polyprenyltransferase; minus strand). Cytogenetic location: 4q21.23.
Variant type: single nucleotide variant.
Coding change: c.913G>A on transcript NM_001358921.2 (MANE Select); coding-DNA position 913, G replaced by A.
Protein change: p.Ala305Thr; replaces alanine 305 with threonine.
Molecular consequence: missense variant.
Genome position (GRCh38, 1-based): chr4:83,267,624, C>T on the plus strand (G>A on the coding strand, the complement: COQ2 is on the minus strand). VCF-style: chr4-83267624-C-T. GRCh37 (hg19) VCF-style: chr4-84188777-C-T.
Other names: c.1063G>A (NM_015697.7); c.1063G>A, p.Ala355Thr (NM_015697.9); short protein forms A355T, A305T.
Identifiers: ClinVar variation 1956441 (VCV001956441.9), dbSNP rs781515818, ClinGen allele CA2988481.